The following is an entry in ClinVar:

ClinVar aggregate classification (germline): Uncertain significance. Review status: criteria provided, multiple submitters, no conflicts (2 of 4 stars). 3 submissions from 3 submitters: Uncertain significance (3). Last evaluated 2025-05-27.

Conditions:
Immunodeficiency 14 (IMD14A). Also called: p110-DELTA-ACTIVATING MUTATION CAUSING SENESCENT T CELLS, LYMPHADENOPATHY, AND IMMUNODEFICIENCY; IMMUNODEFICIENCY 14A WITH LYMPHOPROLIFERATION, AUTOSOMAL DOMINANT; ACTIVATED PI3K-DELTA SYNDROME 1; Activated PI3K Delta Syndrome Type 1 (APDS1). Identifiers: Orphanet 397596, Orphanet 693661, MedGen C5907821, MONDO:0014222, OMIM 615513.
Immunodeficiency 14b, autosomal recessive. Identifiers: MedGen C5543301, MONDO:0023655, OMIM 619281.
Combined immunodeficiency with faciooculoskeletal anomalies. Also called: COMBINED IMMUNODEFICIENCY, FACIAL DYSMORPHISM, OPTIC NERVE ATROPHY, SKELETAL ANOMALIES, AND DEVELOPMENTAL DELAY; Roifman-Chitayat syndrome; Roifman-Chitayat syndrome, digenic. Identifiers: Orphanet 221139, MedGen C2750068, MONDO:0013226, OMIM 613328.

Allele frequency attached by ClinVar (database versions not stated): 1000 Genomes Project 30x 0.00016; 1000 Genomes Project 0.00020; gnomAD exomes 0.00006; TOPMed 0.00019; ExAC 0.00004; gnomAD 0.00012; ESP Exome Variant Server 0.00023.
gnomAD v4.1: 80 of 1,613,888 alleles (0.005%); highest among the groups gnomAD compares: Admixed American, 0.025%; no homozygotes.

Submissions (3):

Labcorp Genetics (formerly Invitae), Labcorp
Classification: Uncertain significance for Activated PI3K-delta syndrome. Last evaluated: 2025-05-27. Review status: criteria provided, single submitter. Criteria: Invitae Variant Classification Sherloc (09022015). Collection method: clinical testing. Allele origin: germline.
Comment: This sequence change replaces glutamic acid, which is acidic and polar, with alanine, which is neutral and non-polar, at codon 1010 of the PIK3CD protein (p.Glu1010Ala). This variant is present in population databases (rs142050444, gnomAD 0.02%). This variant has not been reported in the literature in individuals affected with PIK3CD-related conditions. ClinVar contains an entry for this variant (Variation ID: 373411). Invitae Evidence Modeling of protein sequence and biophysical properties (such as structural, functional, and spatial information, amino acid conservation, physicochemical variation, residue mobility, and thermodynamic stability) indicates that this missense variant is not expected to disrupt PIK3CD protein function with a negative predictive value of 80%. In summary, the available evidence is currently insufficient to determine the role of this variant in disease. Therefore, it has been classified as a Variant of Uncertain Significance.

Department of Pathology and Laboratory Medicine, Sinai Health System
Classification: Uncertain significance for Combined immunodeficiency with faciooculoskeletal anomalies; Immunodeficiency 14; Immunodeficiency 14b, autosomal recessive. Last evaluated: 2022-08-05. Review status: criteria provided, single submitter. Criteria: ACMG Guidelines, 2015. Collection method: research. Allele origin: germline.

GeneDx
Classification: Uncertain significance. Last evaluated: 2016-11-28. Review status: criteria provided, single submitter. Criteria: GeneDx Variant Classification (06012015). Collection method: clinical testing. Allele origin: germline. Affected: yes.
Comment: The E1010A variant in the PIK3CD gene has not been reported previously as a pathogenic variant, nor as a benign variant, to our knowledge. The E1010A variant was not observed at any significant frequency in approximately 6500 individuals of European and African American ancestry in the NHLBI Exome Sequencing Project, indicating it is not a common benign variant in these populations. The E1010A variant is a non-conservative amino acid substitution, which is likely to impact secondary protein structure as these residues differ in polarity, charge, size and/or other properties. This substitution occurs at a position where amino acids with similar properties to Glutamic Acid are tolerated across species. In silico analysis predicts this variant is probably damaging to the protein structure/function. We interpret E1010A as a variant of uncertain significance.

NM_005026.5(PIK3CD):c.3029A>C (p.Glu1010Ala)

Gene: PIK3CD (phosphatidylinositol-4,5-bisphosphate 3-kinase catalytic subunit delta; plus strand). Cytogenetic location: 1p36.22.
Variant type: single nucleotide variant.
Coding change: c.3029A>C on transcript NM_005026.5 (MANE Select); coding-DNA position 3029, A replaced by C.
Protein change: p.Glu1010Ala; replaces glutamic acid 1010 with alanine.
Molecular consequence: missense variant.
Genome position (GRCh38, 1-based): chr1:9,726,940, A>C. VCF-style: chr1-9726940-A-C. GRCh37 (hg19) VCF-style: chr1-9786998-A-C.
Other names: c.3029A>C (LRG_191t1); c.3026A>C, p.Glu1009Ala (NM_001350234.2); c.2942A>C, p.Glu981Ala (NM_001350235.1); short protein forms E1010A, E1009A, E981A.
Identifiers: ClinVar variation 373411 (VCV000373411.13), dbSNP rs142050444, ClinGen allele CA577723.